The following is an entry in ClinVar:

NM_001374385.1(ATP8B1):c.3531+1G>A

Genes: ATP8B1 (ATPase phospholipid transporting 8B1; minus strand), ATP8B1-AS1 (ATP8B1 antisense RNA 1; plus strand). Cytogenetic location: 18q21.31.
Variant type: single nucleotide variant.
Coding change: c.3531+1G>A on transcript NM_001374385.1 (MANE Select); the canonical splice donor site of the intron after coding-DNA position 3531, G replaced by A.
Molecular consequence: splice donor variant.
Genome position (GRCh38, 1-based): chr18:57,650,366, C>T on the plus strand (G>A on the coding strand, the complement: ATP8B1 is on the minus strand). VCF-style: chr18-57650366-C-T. GRCh37 (hg19) VCF-style: chr18-55317598-C-T.
Other names: c.3531+1G>A (NM_005603.6, NM_005603.4); c.3381+1G>A (NM_001374386.1).
Identifiers: ClinVar variation 2679844 (VCV002679844.4), dbSNP rs753965947, ClinGen allele CA8973993.

ClinVar aggregate classification (germline): Pathogenic/Likely pathogenic. Review status: criteria provided, multiple submitters, no conflicts (2 of 4 stars). 3 submissions from 3 submitters: Pathogenic (2); Likely pathogenic (1). Last evaluated 2026-05-03.

Conditions:
Familial intrahepatic cholestasis. Identifiers: Orphanet 284385, MedGen CN296401, MONDO:0017290.
ATP8B1-related disorder. Also called: ATP8B1-related disorders; ATP8B1-related condition.
Benign recurrent intrahepatic cholestasis type 1. Also called: Mild-to-Moderate ATP8B1 Deficiency (Benign Recurrent Intrahepatic Cholestasis 1 [BRIC1]); SUMMERSKILL SYNDROME. Identifiers: Orphanet 65682, Orphanet 99960, MedGen C4551899, MONDO:0009469, OMIM 243300.

Allele frequency attached by ClinVar (database versions not stated): gnomAD exomes 0.00001; ExAC 0.00002; gnomAD 0.00003; TOPMed 0.00003.
gnomAD v4.1: 12 of 1,612,706 alleles (0.00074%); highest among the groups gnomAD compares: Admixed American, 0.018%; no homozygotes.

Submissions (3):

PreventionGenetics, part of Exact Sciences
Classification: Pathogenic for ATP8B1-related condition. Last evaluated: 2026-05-03. Review status: criteria provided, single submitter. Criteria: ACMG Guidelines, 2015. Collection method: clinical testing. Allele origin: germline.
Comment: The ATP8B1 c.3531+1G>A variant is predicted to disrupt the GT donor site and interfere with normal splicing. This variant has been reported in the homozygous state in two apparently unrelated individuals with Intrahepatic cholestasis (van Wessel et al 2021. PubMed ID: 33666275, Table S1; Hertel PM et al 2021. PubMed ID: 34016879, Sup Table 2). This variant is reported in 0.014% of alleles in individuals of Latino descent in gnomAD. Variants that disrupt the consensus splice donor site in ATP8B1 are expected to be pathogenic. This variant is interpreted as pathogenic.

Genomenon, Inc
Classification: Likely pathogenic for Familial intrahepatic cholestasis. Last evaluated: 2026-04-14. Review status: criteria provided, single submitter. Criteria: Genomenon Sequence Variant Interpretation Standards - Updated. Collection method: curation. Allele origin: germline. Affected: yes.
Comment: ATP8B1 c.3531+1G>A is a canonical splice variant affecting the donor splice site of intron 27. It is predicted to affect mRNA splicing, leading to a deleterious effect on the ATP8B1 protein. This variant has been observed in at least one proband with features of ATP8B1-deficiency (PMID:29654655). It is absent or not present at a significant frequency in gnomAD. In conclusion, we classify ATP8B1 c.3531+1G>A as a likely pathogenic variant.

Baylor Genetics
Classification: Pathogenic for Benign recurrent intrahepatic cholestasis type 1. Last evaluated: 2023-11-11. Review status: criteria provided, single submitter. Criteria: ACMG Guidelines, 2015. Collection method: clinical testing. Allele origin: unknown.

Literature cited by the submitters: PubMed 29654655 (cited by Genomenon, Inc).